The following is an entry in ClinVar:

NM_203447.4(DOCK8):c.3307C>A (p.His1103Asn)

Gene: DOCK8 (dedicator of cytokinesis 8; plus strand). Cytogenetic location: 9p24.3.
Variant type: single nucleotide variant.
Coding change: c.3307C>A on transcript NM_203447.4 (MANE Select); coding-DNA position 3307, C replaced by A.
Protein change: p.His1103Asn; replaces histidine 1103 with asparagine.
Molecular consequence: missense variant.
Genome position (GRCh38, 1-based): chr9:404,990, C>A. VCF-style: chr9-404990-C-A. GRCh37 (hg19) VCF-style: chr9-404990-C-A.
Other names: c.3007C>A, p.His1003Asn (NM_001190458.2); c.3103C>A, p.His1035Asn (NM_001193536.2); short protein forms H1003N, H1035N, H1103N.
Identifiers: ClinVar variation 852819 (VCV000852819.10), dbSNP rs2055345690, ClinGen allele CA372757798.

ClinVar aggregate classification (germline): Uncertain significance (1 of 4 stars; one submission).

Conditions:
Combined immunodeficiency due to DOCK8 deficiency (HIES2). Also called: HYPER-IgE RECURRENT INFECTION SYNDROME 2, AUTOSOMAL RECESSIVE; HYPER-IgE SYNDROME 2, AUTOSOMAL RECESSIVE, WITH RECURRENT INFECTIONS; HIES autosomal recessive; DOCK8 Deficiency; Hyper-IgE recurrent infection syndrome, autosomal recessive. Identifiers: Orphanet 217390, MedGen C4722305, MONDO:0009478, OMIM 243700.

Submission:

Labcorp Genetics (formerly Invitae), Labcorp
Classification: Uncertain significance for Combined immunodeficiency due to DOCK8 deficiency. Last evaluated: 2019-03-13. Review status: criteria provided, single submitter. Criteria: Invitae Variant Classification Sherloc (09022015). Collection method: clinical testing. Allele origin: germline.
Comment: In summary, the available evidence is currently insufficient to determine the role of this variant in disease. Therefore, it has been classified as a Variant of Uncertain Significance. Algorithms developed to predict the effect of missense changes on protein structure and function are either unavailable or do not agree on the potential impact of this missense change (SIFT: "Deleterious"; PolyPhen-2: "Probably Damaging"; Align-GVGD: "Class C15"). This variant has not been reported in the literature in individuals with DOCK8-related conditions. This variant is not present in population databases (ExAC no frequency). This sequence change replaces histidine with asparagine at codon 1103 of the DOCK8 protein (p.His1103Asn). The histidine residue is highly conserved and there is a small physicochemical difference between histidine and asparagine.